The following is an entry in ClinVar:

ClinVar aggregate classification (germline): Likely benign (1 of 4 stars; one submission).

Allele frequency attached by ClinVar (database versions not stated): gnomAD 0.00036; ExAC 0.00037; ESP Exome Variant Server 0.00038; TOPMed 0.00053.
gnomAD v4.1: 977 of 1,613,924 alleles (0.061%); highest among the groups gnomAD compares: Non-Finnish European, 0.078%; 1 homozygote.

Submission:

CeGaT Center for Human Genetics Tuebingen
Classification: Likely benign. Last evaluated: 2022-09-01. Review status: criteria provided, single submitter. Criteria: CeGaT Center For Human Genetics Tuebingen Variant Classification Criteria Version 2. Collection method: clinical testing. Allele origin: germline. Affected: yes. Observed: 1 variant allele.
Comment: TNIP1: BP4, BP7

NM_006058.5(TNIP1):c.264G>A (p.Glu88=)

Gene: TNIP1 (TNFAIP3 interacting protein 1; minus strand). Cytogenetic location: 5q33.1.
Variant type: single nucleotide variant.
Coding change: c.264G>A on transcript NM_006058.5 (MANE Select); coding-DNA position 264, G replaced by A.
Protein change: p.Glu88=; no amino-acid change (glutamic acid 88 retained).
Molecular consequence: synonymous variant.
Genome position (GRCh38, 1-based): chr5:151,063,620, C>T on the plus strand (G>A on the coding strand, the complement: TNIP1 is on the minus strand). VCF-style: chr5-151063620-C-T. GRCh37 (hg19) VCF-style: chr5-150443181-C-T.
Other names: c.264G>A, p.Glu88= (NM_001252385.2, NM_001252390.2, NM_001252391.2 and 6 more transcripts); c.105G>A, p.Glu35= (NM_001252386.2, NM_001364486.2).
Identifiers: ClinVar variation 2655940 (VCV002655940.24), dbSNP rs141997689, ClinGen allele CA3516396.
Genomic context (GRCh38, chr5:151,063,620, plus strand): 5'-TTGGGCAGTTTGGGGTACAGGGAGAGTCAGAGGTACCCAGACTCCTCTTATACCTGTGAG[C>T]TCAGCCAGGGGGTCGAAGGAGCCCAAGGAGGGAGAAGGTGGTGGGAGCAGCTCGTTGTCC-3'
Protein context (NP_006049.3, residues 78-98): PSLGSFDPLA[Glu88=]LTGKDSNVTA